The following is an entry in ClinVar:

ClinVar aggregate classification (germline): Pathogenic (1 of 4 stars; one submission).

Submission:

Labcorp Genetics (formerly Invitae), Labcorp
Classification: Pathogenic. Last evaluated: 2021-10-12. Review status: criteria provided, single submitter. Criteria: Invitae Variant Classification Sherloc (09022015). Collection method: clinical testing. Allele origin: germline.
Comment: For these reasons, this variant has been classified as Pathogenic. This sequence change creates a premature translational stop signal (p.Ile1709Asnfs*6) in the VPS13A gene. It is expected to result in an absent or disrupted protein product. Loss-of-function variants in VPS13A are known to be pathogenic (PMID: 12404112, 21598378). This variant is not present in population databases (ExAC no frequency). This variant has not been reported in the literature in individuals affected with VPS13A-related conditions.

Literature cited by the submitters: PubMed 12404112; PubMed 21598378.

NM_033305.3(VPS13A):c.5125dup (p.Ile1709fs)

Gene: VPS13A (vacuolar protein sorting 13 homolog A; plus strand). Cytogenetic location: 9q21.2.
Variant type: Duplication.
Coding change: c.5125dup on transcript NM_033305.3 (MANE Select); coding-DNA position 5125, one base duplicated (A; older notation c.5125dupA).
Protein change: p.Ile1709fs; shifts the reading frame from isoleucine 1709.
Molecular consequence: frameshift variant.
Genome position (GRCh38, 1-based): chr9:77,318,403, A duplicated; the last of 6 consecutive A bases (chr9:77,318,398-77,318,403); duplicating any one gives the same sequence. VCF-style (leftmost placement, unchanged base first): chr9-77318397-G-GA. GRCh37 (hg19) VCF-style: chr9-79933313-G-GA.
Other names: c.5008dup, p.Ile1670fs (NM_001018037.2); c.5125dup, p.Ile1709fs (NM_001018038.3, NM_015186.4); short protein forms I1709fs, I1670fs.
Identifiers: ClinVar variation 1403912 (VCV001403912.6), dbSNP rs2131439817, ClinGen allele CA465621894.